The following is an entry in ClinVar:

ClinVar aggregate classification (germline): Likely benign (1 of 4 stars; one submission).

Allele frequency attached by ClinVar (database versions not stated): gnomAD exomes below 0.00001; TOPMed 0.00001.
gnomAD v4.1: 1 of 398,312 alleles (0.00025%); highest among the groups gnomAD compares: Non-Finnish European, 0.00044%; no homozygotes.

Submission:

Laboratory for Molecular Medicine, Mass General Brigham Personalized Medicine
Classification: Likely benign. Last evaluated: 2010-07-14. Review status: criteria provided, single submitter. Criteria: LMM Criteria. Collection method: clinical testing. Allele origin: germline. Observed: 2 variant alleles.
Comment: The -298C>T variant has not previously been reported in the literature but has b een identified by our laboratory in one other family.

NM_002880.4(RAF1):c.-298C>T

Gene: RAF1 (Raf-1 proto-oncogene, serine/threonine kinase; minus strand). Cytogenetic location: 3p25.2.
Variant type: single nucleotide variant.
Coding change: c.-298C>T on transcript NM_002880.4 (MANE Select); 298 bases upstream of the start codon, C replaced by T.
Molecular consequence: 5 prime UTR variant. On other transcripts: non-coding transcript variant (3).
Genome position (GRCh38, 1-based): chr3:12,664,084, G>A on the plus strand (C>T on the coding strand, the complement: RAF1 is on the minus strand). VCF-style: chr3-12664084-G-A. GRCh37 (hg19) VCF-style: chr3-12705583-G-A.
Other names: c.-298C>T (NM_001354689.3, NM_001354693.3); c.-521C>T (NM_001354691.3); c.-428C>T (NM_001354692.3, NM_001354694.3, NM_001354695.3).
Identifiers: ClinVar variation 177894 (VCV000177894.5), dbSNP rs727504387, ClinGen allele CA180953.